The following is an entry in ClinVar:

ClinVar aggregate classification (germline): Benign. Review status: criteria provided, multiple submitters, no conflicts (2 of 4 stars). 3 submissions from 3 submitters: Benign (3). Last evaluated 2026-01-19.

Conditions:
CHRM3-related disorder. Also called: CHRM3-related condition.

Allele frequency attached by ClinVar (database versions not stated): gnomAD exomes 0.00049 and 0.00131; ExAC 0.00163; ESP Exome Variant Server 0.00477; gnomAD 0.00477 and 0.00512; TOPMed 0.00591; 1000 Genomes Project 30x 0.00796; 1000 Genomes Project 0.00799.
gnomAD v4.1: 1,472 of 1,613,848 alleles (0.091%); highest among the groups gnomAD compares: African/African-American, 1.7%; 13 homozygotes.

Submissions (3):

Labcorp Genetics (formerly Invitae), Labcorp
Classification: Benign. Last evaluated: 2026-01-19. Review status: criteria provided, single submitter. Criteria: Invitae Variant Classification Sherloc (09022015). Collection method: clinical testing. Allele origin: germline.

PreventionGenetics, part of Exact Sciences
Classification: Benign for CHRM3-related condition. Last evaluated: 2025-03-15. Review status: criteria provided, single submitter. Criteria: ACMG Guidelines, 2015. Collection method: clinical testing. Allele origin: germline.
Comment: This variant is classified as benign based on ACMG/AMP sequence variant interpretation guidelines (Richards et al. 2015 PMID: 25741868, with internal and published modifications).

Breakthrough Genomics
Classification: Benign. Review status: criteria provided, single submitter. Criteria: ACMG Guidelines, 2015. Collection method: not provided. Allele origin: germline. Inheritance: Autosomal recessive inheritance. Affected: yes.

NM_001375978.1(CHRM3):c.1292T>C (p.Leu431Pro)

Gene: CHRM3 (cholinergic receptor muscarinic 3; plus strand). Cytogenetic location: 1q43.
Variant type: single nucleotide variant.
Coding change: c.1292T>C on transcript NM_001375978.1 (MANE Select); coding-DNA position 1292, T replaced by C.
Protein change: p.Leu431Pro; replaces leucine 431 with proline.
Molecular consequence: missense variant.
Genome position (GRCh38, 1-based): chr1:239,908,743, T>C. VCF-style: chr1-239908743-T-C. GRCh37 (hg19) VCF-style: chr1-240072043-T-C.
Other names: c.1292T>C, p.Leu431Pro (NM_000740.4, NM_001347716.2, NM_001375979.1 and 6 more transcripts); c.1292T>C (NM_000740.3); short protein forms L431P.
Identifiers: ClinVar variation 787764 (VCV000787764.11), dbSNP rs16839102, ClinGen allele CA1475912.